The following is an entry in ClinVar:

ClinVar aggregate classification (germline): Pathogenic (1 of 4 stars; one submission).

Submission:

Labcorp Genetics (formerly Invitae), Labcorp
Classification: Pathogenic. Last evaluated: 2021-06-20. Review status: criteria provided, single submitter. Criteria: Invitae Variant Classification Sherloc (09022015). Collection method: clinical testing. Allele origin: germline.
Comment: For these reasons, this variant has been classified as Pathogenic. This variant disrupts the C-terminus of the NTHL1 protein. Other variant(s) that disrupt this region (p.Gln287*) have been determined to be pathogenic (PMID: 27329137, 30753826, 30552997, Invitae). This suggests that variants that disrupt this region of the protein are likely to be causative of disease. This variant has not been reported in the literature in individuals with NTHL1-related conditions. This variant is not present in population databases (ExAC no frequency). This sequence change results in a frameshift in the NTHL1 gene (p.Arg250Serfs*91). While this is not anticipated to result in nonsense mediated decay, it is expected to disrupt the last 63 amino acid(s) of the NTHL1 protein and extend the protein by 27 additional amino acid residues.

Literature cited by the submitters: PubMed 27329137; PubMed 30753826; PubMed 30552997.

NM_002528.7(NTHL1):c.726del (p.Arg242fs)

Gene: NTHL1 (nth like DNA glycosylase 1; minus strand). Cytogenetic location: 16p13.3.
Variant type: Deletion.
Coding change: c.726del on transcript NM_002528.7 (MANE Select); coding-DNA position 726, one base deleted (G; older notation c.726delG).
Protein change: p.Arg242fs; shifts the reading frame from arginine 242.
Molecular consequence: frameshift variant.
Genome position (GRCh38, 1-based): chr16:2,040,198, C deleted on the plus strand (G on the coding strand, the reverse complement: NTHL1 is on the minus strand); the first of 2 consecutive C bases (chr16:2,040,198-2,040,199); deleting either gives the same sequence. VCF-style (leftmost placement, unchanged base first): chr16-2040197-AC-A. GRCh37 (hg19) VCF-style: chr16-2090198-AC-A.
Other names: c.555del, p.Arg185fs (NM_001318193.2); c.396del, p.Arg132fs (NM_001318194.2); short protein forms R132fs, R242fs, R185fs.
Identifiers: ClinVar variation 1457084 (VCV001457084.8), dbSNP rs2150938370, ClinGen allele CA2573151777.